The following is an entry in ClinVar:

ClinVar aggregate classification (germline): Conflicting classifications of pathogenicity. Review status: criteria provided, conflicting classifications (1 of 4 stars). 7 submissions from 7 submitters: Uncertain significance (2); Likely benign (5). Last evaluated 2026-05-01.

Conditions:
Episodic ataxia type 2 (EA2). Also called: ACETAZOLAMIDE-RESPONSIVE HEREDITARY PAROXYSMAL CEREBELLAR ATAXIA; ATAXIA, EPISODIC, WITH NYSTAGMUS; ATAXIA, FAMILIAL PAROXYSMAL; CEREBELLAR ATAXIA, PAROXYSMAL, ACETAZOLAMIDE-RESPONSIVE; CEREBELLOPATHY, HEREDITARY PAROXYSMAL; EPISODIC ATAXIA, NYSTAGMUS-ASSOCIATED. Identifiers: Orphanet 97, MedGen C1720416, MONDO:0007163, OMIM 108500.
Developmental and epileptic encephalopathy, 42 (DEE42A). Also called: Epileptic encephalopathy, early infantile, 42; DEVELOPMENTAL AND EPILEPTIC ENCEPHALOPATHY 42A; EPILEPTIC ENCEPHALOPATHY, EARLY INFANTILE, 42A. Identifiers: MedGen C4310716, MONDO:0014917, OMIM 617106.
Inborn genetic diseases. Identifiers: MedGen C0950123, MeSH D030342.

Allele frequency attached by ClinVar (database versions not stated): ESP Exome Variant Server 0.00008; gnomAD 0.00008 and 0.00009; gnomAD exomes 0.00011 and 0.00017; TOPMed 0.00012; ExAC 0.00019.
gnomAD v4.1: 156 of 1,364,696 alleles (0.011%); highest among the groups gnomAD compares: East Asian, 0.023%; no homozygotes.

Submissions (7):

CeGaT Center for Human Genetics Tuebingen
Classification: Likely benign. Last evaluated: 2026-05-01. Review status: criteria provided, single submitter. Criteria: CeGaT Center For Human Genetics Tuebingen Variant Classification Criteria Version 2. Collection method: clinical testing. Allele origin: germline. Affected: yes. Observed: 1 variant allele.
Comment: CACNA1A: BP4, BS2

Labcorp Genetics (formerly Invitae), Labcorp
Classification: Likely benign for Developmental and epileptic encephalopathy, 42; Episodic ataxia type 2. Last evaluated: 2026-02-03. Review status: criteria provided, single submitter. Criteria: Invitae Variant Classification Sherloc (09022015). Collection method: clinical testing. Allele origin: germline.

Women's Health and Genetics/Laboratory Corporation of America, LabCorp
Classification: Uncertain significance. Last evaluated: 2025-06-20. Review status: criteria provided, single submitter. Criteria: LabCorp Variant Classification Summary - May 2015. Collection method: clinical testing. Allele origin: germline.
Comment: Variant summary: CACNA1A c.3547G>A (p.Val1183Ile) results in a conservative amino acid change in the encoded protein sequence. Algorithms developed to predict the effect of missense changes on protein structure and function all suggest that this variant is likely to be tolerated. The variant allele was found at a frequency of 0.00017 in 169696 control chromosomes. This frequency is not significantly higher than estimated for a pathogenic variant in CACNA1A causing Epileptic Encephalopathy, Early Infantile, 42, allowing no conclusion about variant significance. c.3547G>A has been observed in an individual and their similarly affected sister with myoclonic astatic epilepsy, attention deficit hyperactivity disorder (ADHD), and intellectual disability; however, the variant was also found in their unaffected mother (example: Poliquin_2021). To our knowledge, no experimental evidence demonstrating an impact on protein function has been reported. The following publication has been ascertained in the context of this evaluation (PMID: 33961861). ClinVar contains an entry for this variant (Variation ID: 476255). Based on the evidence outlined above, the variant was classified as uncertain significance.

Ambry Genetics
Classification: Likely benign for Inborn genetic diseases. Last evaluated: 2024-09-27. Review status: criteria provided, single submitter. Criteria: Ambry Variant Classification Scheme 2023. Collection method: clinical testing. Allele origin: germline.

Revvity Omics, Revvity
Classification: Uncertain significance. Last evaluated: 2023-04-05. Review status: criteria provided, single submitter. Criteria: ACMG Guidelines, 2015. Collection method: clinical testing. Allele origin: germline.

GeneDx
Classification: Likely benign. Last evaluated: 2020-12-07. Review status: criteria provided, single submitter. Criteria: GeneDx Variant Classification Process June 2021. Collection method: clinical testing. Allele origin: germline. Affected: yes.

Athena Diagnostics
Classification: Likely benign. Last evaluated: 2018-05-09. Review status: criteria provided, single submitter. Criteria: Athena Diagnostics Criteria. Collection method: clinical testing. Allele origin: germline.

Literature cited by the submitters: PubMed 33961861 (cited by Women's Health and Genetics/Laboratory Corporation of America, LabCorp).

NM_001127222.2(CACNA1A):c.3544G>A (p.Val1182Ile)

Gene: CACNA1A (calcium voltage-gated channel subunit alpha1 A; minus strand). Cytogenetic location: 19p13.13.
Variant type: single nucleotide variant.
Coding change: c.3544G>A on transcript NM_001127222.2 (MANE Select); coding-DNA position 3544, G replaced by A.
Protein change: p.Val1182Ile; replaces valine 1182 with isoleucine.
Molecular consequence: missense variant.
Genome position (GRCh38, 1-based): chr19:13,286,512, C>T on the plus strand (G>A on the coding strand, the complement: CACNA1A is on the minus strand). VCF-style: chr19-13286512-C-T. GRCh37 (hg19) VCF-style: chr19-13397326-C-T.
Other names: c.3556G>A, p.Val1186Ile (NM_000068.4, NM_023035.3); c.3547G>A, p.Val1183Ile (NM_001127221.2, NM_001174080.2); short protein forms V1183I, V1186I, V1182I.
Identifiers: ClinVar variation 476255 (VCV000476255.23), dbSNP rs369742607, ClinGen allele CA9240286.
Genomic context (GRCh38, chr19:13,286,512, plus strand): 5'-TCCAGGGACGCCAGGTCCCCTGCCCAGTGATGTGAGAGCAGAGGGTCTCACCTTGTACGA[C>T]GGTGTGGTTGAGGGGGGGTGGGCAGGCTGGGGGGATGTCCACTGTGGTGTGGTCGGGTTT-3'
Protein context (NP_001120694.1, residues 1172-1192): PACPPPLNHT[Val1182Ile]VQVNKNANPD